The following is an entry in ClinVar:

ClinVar aggregate classification (germline): Likely pathogenic (1 of 4 stars; one submission).

Conditions:
Senior-Loken syndrome 6 (SLSN6). Identifiers: Orphanet 3156, MedGen C1857779, MONDO:0012433, OMIM 610189.
Meckel syndrome, type 4 (MKS4). Also called: MECKEL-GRUBER SYNDROME, TYPE 4. Identifiers: Orphanet 564, MedGen C1970161, MONDO:0012626, OMIM 611134.
Joubert syndrome 5 (JBTS5). Identifiers: Orphanet 2318, MedGen C1857780, MONDO:0012432, OMIM 610188.
Bardet-Biedl syndrome 14 (BBS14). Identifiers: Orphanet 110, MedGen C2673874, MONDO:0014442, OMIM 615991.
Leber congenital amaurosis 10 (LCA10). Identifiers: Orphanet 65, MedGen C1857821, MONDO:0012723, OMIM 611755.

Submission:

Juno Genomics, Hangzhou Juno Genomics, Inc
Classification: Likely pathogenic for Bardet-Biedl syndrome 14; Joubert syndrome 5; Leber congenital amaurosis 10; Meckel syndrome, type 4; Senior-Loken syndrome 6. Review status: criteria provided, single submitter. Criteria: ACMG Guidelines, 2015. Collection method: clinical testing. Allele origin: germline.
Comment: Null variant in a gene where loss of function (LOF) is a known mechanism of disease.;Absent from controls (or at extremely low frequency if recessive) in Genome Aggregation Database.

NM_025114.4(CEP290):c.3321del (p.Asn1108fs)

Gene: CEP290 (centrosomal protein 290; minus strand). Cytogenetic location: 12q21.32.
Variant type: Deletion.
Coding change: c.3321del on transcript NM_025114.4 (MANE Select); coding-DNA position 3321, one base deleted (C; older notation c.3321delC).
Protein change: p.Asn1108fs; shifts the reading frame from asparagine 1108.
Molecular consequence: frameshift variant.
Genome position (GRCh38, 1-based): chr12:88,092,821, G deleted on the plus strand (C on the coding strand, the reverse complement: CEP290 is on the minus strand). VCF-style (leftmost placement, unchanged base first): chr12-88092820-TG-T. GRCh37 (hg19) VCF-style: chr12-88486597-TG-T.
Other names: short protein forms N1108fs.
Identifiers: ClinVar variation 5005194 (VCV005005194.2).